The following is an entry in ClinVar:

NM_178335.3(CCDC50):c.199C>G (p.Leu67Val)

Gene: CCDC50 (coiled-coil domain containing 50; plus strand). Cytogenetic location: 3q28.
Variant type: single nucleotide variant.
Coding change: c.199C>G on transcript NM_178335.3 (MANE Select); coding-DNA position 199, C replaced by G.
Protein change: p.Leu67Val; replaces leucine 67 with valine.
Molecular consequence: missense variant.
Genome position (GRCh38, 1-based): chr3:191,358,084, C>G. VCF-style: chr3-191358084-C-G. GRCh37 (hg19) VCF-style: chr3-191075873-C-G.
Other names: c.199C>G, p.Leu67Val (NM_174908.4); short protein forms L67V.
Identifiers: ClinVar variation 1032557 (VCV001032557.1), dbSNP rs1459433782, ClinGen allele CA355761233.

ClinVar aggregate classification (germline): Uncertain significance (1 of 4 stars; one submission).

Conditions:
Autosomal dominant nonsyndromic hearing loss 44. Identifiers: Orphanet 90635, MedGen C1843895, MONDO:0011832, OMIM 607453.

Allele frequency attached by ClinVar (database versions not stated): gnomAD exomes below 0.00001; TOPMed 0.00001.
gnomAD v4.1: 2 of 1,613,976 alleles (0.00012%); highest among the groups gnomAD compares: East Asian, 0.0022%; no homozygotes.

Submission:

Baylor Genetics
Classification: Uncertain significance for Autosomal dominant nonsyndromic hearing loss 44. Last evaluated: 2018-05-08. Review status: criteria provided, single submitter. Criteria: ACMG Guidelines, 2015. Collection method: clinical testing. Allele origin: maternal. Affected: yes.
Comment: This variant was determined to be of uncertain significance according to ACMG Guidelines, 2015 [PMID:25741868].